The following is an entry in ClinVar:

NM_001271938.2(MEGF8):c.7184C>T (p.Thr2395Met)

Gene: MEGF8 (multiple EGF like domains 8; plus strand). Cytogenetic location: 19q13.2.
Variant type: single nucleotide variant.
Coding change: c.7184C>T on transcript NM_001271938.2 (MANE Select); coding-DNA position 7184, C replaced by T.
Protein change: p.Thr2395Met; replaces threonine 2395 with methionine.
Molecular consequence: missense variant.
Genome position (GRCh38, 1-based): chr19:42,371,397, C>T. VCF-style: chr19-42371397-C-T. GRCh37 (hg19) VCF-style: chr19-42875549-C-T.
Other names: c.6983C>T, p.Thr2328Met (NM_001410.3); short protein forms T2395M, T2328M.
Identifiers: ClinVar variation 1036240 (VCV001036240.8), dbSNP rs758007485, ClinGen allele CA9476112.

ClinVar aggregate classification (germline): Conflicting classifications of pathogenicity. Review status: criteria provided, conflicting classifications (1 of 4 stars). 2 submissions from 2 submitters: Uncertain significance (1); Likely benign (1). Last evaluated 2024-09-20.

Conditions:
MEGF8-related Carpenter syndrome. Also called: Carpenter syndrome 2. Identifiers: Orphanet 65759, MedGen C3554247, MONDO:0013998, OMIM 614976.

Allele frequency attached by ClinVar (database versions not stated): gnomAD exomes 0.00002; TOPMed 0.00004; ExAC 0.00002; gnomAD 0.00002.
gnomAD v4.1: 33 of 1,613,828 alleles (0.002%); highest among the groups gnomAD compares: Admixed American, 0.0067%; no homozygotes.

Submissions (2):

3billion
Classification: Likely benign for MEGF8-related Carpenter syndrome. Last evaluated: 2024-09-20. Review status: criteria provided, single submitter. Criteria: ACMG Guidelines, 2015. Collection method: clinical testing. Allele origin: germline. Affected: no.
Comment: The homozygous variant was found in patients diagnosed with another variant in a different gene, with no symptoms related to the gene containing the homozygous variant.

Labcorp Genetics (formerly Invitae), Labcorp
Classification: Uncertain significance for MEGF8-related Carpenter syndrome. Last evaluated: 2021-07-07. Review status: criteria provided, single submitter. Criteria: Invitae Variant Classification Sherloc (09022015). Collection method: clinical testing. Allele origin: germline.
Comment: In summary, the available evidence is currently insufficient to determine the role of this variant in disease. Therefore, it has been classified as a Variant of Uncertain Significance. Algorithms developed to predict the effect of missense changes on protein structure and function are either unavailable or do not agree on the potential impact of this missense change (SIFT: "Deleterious"; PolyPhen-2: "Probably Damaging"; Align-GVGD: "Class C0"). This variant has not been reported in the literature in individuals with MEGF8-related conditions. This variant is present in population databases (rs758007485, ExAC 0.002%). This sequence change replaces threonine with methionine at codon 2328 of the MEGF8 protein (p.Thr2328Met). The threonine residue is moderately conserved and there is a moderate physicochemical difference between threonine and methionine.